The following is an entry in ClinVar:

GRCh37/hg19 4p16.3-15.33(chr4:1-12785001)x1

Genes: ABLIM2 (actin binding LIM protein family member 2; minus strand), ACOX3 (acyl-CoA oxidase 3, pristanoyl; minus strand), ADD1 (adducin 1; plus strand), ADRA2C (adrenoceptor alpha 2C; plus strand), AFAP1 (actin filament associated protein 1; minus strand) and 114 more. Cytogenetic location: 4p16.3-15.33.
Variant type: copy number loss.
Change: copy number 1 (one copy instead of two) of chr4:1-12,785,001 (12.79 Mb, GRCh37 coordinates, 1-based), cytogenetic band 4p16.3-15.33.
Identifiers: ClinVar variation 1808621 (VCV001808621.1).

ClinVar aggregate classification (germline): Pathogenic (1 of 4 stars; one submission).

Submission:

Quest Diagnostics Nichols Institute San Juan Capistrano
Classification: Pathogenic. Last evaluated: 2023-07-18. Review status: criteria provided, single submitter. Criteria: ACMG/ClinGen CNV Guidelines, 2019. Collection method: clinical testing. Allele origin: unknown.
Comment: This terminal deletion of 4p overlaps the Wolf-Hirschhorn syndromic region (ISCA-37429; OMIM 194190; Battaglia 2015, Paradowska-Stolarz 2014). Thus, this CNV is classified as pathogenic. References: Battaglia et al., Am J Med Genet C Semin Med Genet. 2015 Sep;169(3):216-23. PMID: 26239400; Paradowska-Stolarz, Adv Clin Exp Med. 2014 May-Jun;23(3):485-9. PMID: 24979523